The following is an entry in ClinVar:

NM_004385.5(VCAN):c.2059A>G (p.Thr687Ala)

Gene: VCAN (versican; plus strand). Cytogenetic location: 5q14.3.
Variant type: single nucleotide variant.
Coding change: c.2059A>G on transcript NM_004385.5 (MANE Select); coding-DNA position 2059, A replaced by G.
Protein change: p.Thr687Ala; replaces threonine 687 with alanine.
Molecular consequence: missense variant. On other transcripts: intron variant (2).
Genome position (GRCh38, 1-based): chr5:83,520,365, A>G. VCF-style: chr5-83520365-A-G. GRCh37 (hg19) VCF-style: chr5-82816184-A-G.
Other names: c.2059A>G, p.Thr687Ala (NM_001164098.2); c.1042+7969A>G (NM_001164097.2, NM_001126336.3); short protein forms T687A.
Identifiers: ClinVar variation 1901698 (VCV001901698.5), dbSNP rs753306511, ClinGen allele CA3332776.

ClinVar aggregate classification (germline): Uncertain significance (1 of 4 stars; one submission).

Allele frequency attached by ClinVar (database versions not stated): gnomAD 0.00001; gnomAD exomes 0.00001; ExAC 0.00003.
gnomAD v4.1: 19 of 1,612,328 alleles (0.0012%); highest among the groups gnomAD compares: South Asian, 0.02%; no homozygotes.

Submission:

Labcorp Genetics (formerly Invitae), Labcorp
Classification: Uncertain significance. Last evaluated: 2022-11-01. Review status: criteria provided, single submitter. Criteria: Invitae Variant Classification Sherloc (09022015). Collection method: clinical testing. Allele origin: germline.
Comment: This sequence change replaces threonine, which is neutral and polar, with alanine, which is neutral and non-polar, at codon 687 of the VCAN protein (p.Thr687Ala). This variant is present in population databases (rs753306511, gnomAD 0.01%). This variant has not been reported in the literature in individuals affected with VCAN-related conditions. Algorithms developed to predict the effect of missense changes on protein structure and function are either unavailable or do not agree on the potential impact of this missense change (SIFT: "Deleterious"; PolyPhen-2: "Benign"; Align-GVGD: "Class C55"). In summary, the available evidence is currently insufficient to determine the role of this variant in disease. Therefore, it has been classified as a Variant of Uncertain Significance.